The following is an entry in ClinVar:

ClinVar aggregate classification (germline): Benign (1 of 4 stars; one submission).

Conditions:
Familial adenomatous polyposis 1 (FAP1). Also called: FAMILIAL ADENOMATOUS POLYPOSIS 1, ATTENUATED; POLYPOSIS, ADENOMATOUS INTESTINAL. Identifiers: MedGen C2713442, MONDO:0021056, OMIM 175100. Disease mechanism: loss of function.

Submission:

Myriad Genetics, Inc.
Classification: Benign for Familial adenomatous polyposis 1. Last evaluated: 2024-04-12. Review status: criteria provided, single submitter. Criteria: Myriad Autosomal Dominant, Autosomal Recessive and X-Linked Classification Criteria (2023). Collection method: clinical testing. Allele origin: unknown.
Comment: This variant is considered benign. This variant is a silent/synonymous amino acid change and it is not expected to impact splicing.

NM_000038.6(APC):c.8031T>G (p.Gly2677=)

Gene: APC (APC regulator of Wnt signaling pathway; plus strand). Cytogenetic location: 5q22.2.
Variant type: single nucleotide variant.
Coding change: c.8031T>G on transcript NM_000038.6 (MANE Select); coding-DNA position 8031, T replaced by G.
Protein change: p.Gly2677=; no amino-acid change (glycine 2677 retained).
Molecular consequence: synonymous variant. On other transcripts: non-coding transcript variant (2).
Genome position (GRCh38, 1-based): chr5:112,843,625, T>G. VCF-style: chr5-112843625-T-G. GRCh37 (hg19) VCF-style: chr5-112179322-T-G.
Other names: c.8031T>G, p.Gly2677= (NM_001127510.3, NM_001354895.2, NM_001407450.1); c.7977T>G, p.Gly2659= (NM_001127511.3); c.8085T>G, p.Gly2695= (NM_001354896.2, NM_001407447.1, NM_001407448.1 and 1 more transcripts); c.8061T>G, p.Gly2687= (NM_001354897.2); c.7956T>G, p.Gly2652= (NM_001354898.2); c.7947T>G, p.Gly2649= (NM_001354899.2); c.7908T>G, p.Gly2636= (NM_001354900.2); c.7854T>G, p.Gly2618= (NM_001354901.2, NM_001407453.1); and 11 more.
Identifiers: ClinVar variation 3254097 (VCV003254097.1), dbSNP rs2533839146.